The following is an entry in ClinVar:

NM_001379500.1(COL18A1):c.107-11749C>T

Gene: COL18A1 (collagen type XVIII alpha 1 chain; plus strand). Cytogenetic location: 21q22.3.
Variant type: single nucleotide variant.
Coding change: c.107-11749C>T on transcript NM_001379500.1 (MANE Select); 11749 bases into the intron before coding-DNA position 107, C replaced by T.
Molecular consequence: intron variant. On other transcripts: synonymous variant (1).
Genome position (GRCh38, 1-based): chr21:45,456,493, C>T. VCF-style: chr21-45456493-C-T. GRCh37 (hg19) VCF-style: chr21-46876407-C-T.
Other names: c.963C>T, p.Ala321= (NM_130444.3); c.646+317C>T (NM_030582.4).
Identifiers: ClinVar variation 3030122 (VCV003030122.2), dbSNP rs1195682751, ClinGen allele CA638496831.

ClinVar aggregate classification (germline): Likely benign (0 of 4 stars; one submission).

Conditions:
COL18A1-related disorder. Also called: COL18A1-related disorders; COL18A1-related condition.

Allele frequency attached by ClinVar (database versions not stated): gnomAD exomes below 0.00001; TOPMed 0.00002.
gnomAD v4.1: 8 of 1,548,332 alleles (0.00052%); highest among the groups gnomAD compares: Admixed American, 0.0079%; no homozygotes.

Submission:

PreventionGenetics, part of Exact Sciences
Classification: Likely benign for COL18A1-related condition. Last evaluated: 2021-02-16. Review status: no assertion criteria provided. Collection method: clinical testing. Allele origin: germline.
Comment: This variant is classified as likely benign based on ACMG/AMP sequence variant interpretation guidelines (Richards et al. 2015 PMID: 25741868, with internal and published modifications).